The following is an entry in ClinVar:

NM_002047.4(GARS1):c.2215G>A (p.Glu739Lys)

Gene: GARS1 (glycyl-tRNA synthetase 1; plus strand). Cytogenetic location: 7p14.3.
Variant type: single nucleotide variant.
Coding change: c.2215G>A on transcript NM_002047.4 (MANE Select); coding-DNA position 2215, G replaced by A.
Protein change: p.Glu739Lys; replaces glutamic acid 739 with lysine.
Molecular consequence: missense variant.
Genome position (GRCh38, 1-based): chr7:30,633,855, G>A. VCF-style: chr7-30633855-G-A. GRCh37 (hg19) VCF-style: chr7-30673471-G-A.
Other names: c.2053G>A, p.Glu685Lys (NM_001316772.1); short protein forms E685K, E739K.
Identifiers: ClinVar variation 4680988 (VCV004680988.1).
Genomic context (GRCh38, chr7:30,633,855, plus strand): 5'-GTGGAGGCCAGGTATCCTCTGTTTGAAGGGCAAGAGACTGGTAAAAAAGAGACAATCGAG[G>A]AATGAGGACAATTTTGACAACTTTTGACCACTTGCGCTAATAAAAAAAAAAAAAAACTAC-3'
Protein context (NP_002038.2, residues 729-739): QETGKKETIE[Glu739Lys]

ClinVar aggregate classification (germline): Uncertain significance (1 of 4 stars; one submission).

Submission:

GeneDx
Classification: Uncertain significance. Last evaluated: 2025-07-01. Review status: criteria provided, single submitter. Criteria: GeneDx Variant Classification Process June 2021. Collection method: clinical testing. Allele origin: germline. Affected: yes.
Comment: Not observed at significant frequency in large population cohorts (gnomAD); In silico analysis suggests that this missense variant does not alter protein structure/function; Has not been previously published as pathogenic or benign to our knowledge